The following is an entry in ClinVar:

NM_152424.4(AMER1):c.2943C>T (p.Asp981=)

Gene: AMER1 (APC membrane recruitment protein 1; minus strand). Cytogenetic location: Xq11.2.
Variant type: single nucleotide variant.
Coding change: c.2943C>T on transcript NM_152424.4 (MANE Select); coding-DNA position 2943, C replaced by T.
Protein change: p.Asp981=; no amino-acid change (aspartic acid 981 retained).
Molecular consequence: synonymous variant.
Genome position (GRCh38, 1-based): chrX:64,190,344, G>A on the plus strand (C>T on the coding strand, the complement: AMER1 is on the minus strand). VCF-style: chrX-64190344-G-A. GRCh37 (hg19) VCF-style: chrX-63410224-G-A.
Identifiers: ClinVar variation 2888123 (VCV002888123.9), dbSNP rs376353035, ClinGen allele CA10432130.
Genomic context (GRCh38, chrX:64,190,344, plus strand): 5'-CATGGTCATAGGAGGTATGCAACAGGTTGCCTGCCTATATGGAGACTGGCTGGAAGGCCT[G>A]TCCAACTGGTTGGGGCTTATCCAGGCAGGACCTGGCCCCACTGGAAGAGGACAGGGAGCC-3'
Protein context (NP_689637.3, residues 971-991): GPAWISPNQL[Asp981=]RPSSQSPYRQ

ClinVar aggregate classification (germline): Benign/Likely benign. Review status: criteria provided, multiple submitters, no conflicts (2 of 4 stars). 2 submissions from 2 submitters: Benign (1); Likely benign (1). Last evaluated 2025-11-01.

Allele frequency attached by ClinVar (database versions not stated): TOPMed 0.00005; gnomAD 0.00006; ExAC 0.00009; ESP Exome Variant Server 0.00010; 1000 Genomes Project 30x 0.00042; gnomAD exomes 0.00004.
gnomAD v4.1: 46 of 1,210,376 alleles (0.0038%); highest among the groups gnomAD compares: Middle Eastern, 0.023%; no homozygotes.

Submissions (2):

CeGaT Center for Human Genetics Tuebingen
Classification: Likely benign. Last evaluated: 2025-11-01. Review status: criteria provided, single submitter. Criteria: CeGaT Center For Human Genetics Tuebingen Variant Classification Criteria Version 2. Collection method: clinical testing. Allele origin: germline. Affected: yes. Observed: 1 variant allele.
Comment: AMER1: BP4, BP7, BS2

Labcorp Genetics (formerly Invitae), Labcorp
Classification: Benign. Last evaluated: 2025-03-01. Review status: criteria provided, single submitter. Criteria: Invitae Variant Classification Sherloc (09022015). Collection method: clinical testing. Allele origin: germline.